The following is an entry in ClinVar:

NM_130810.4(DNAAF4):c.1121C>T (p.Thr374Ile)

Genes: DNAAF4 (dynein axonemal assembly factor 4; minus strand), DNAAF4-CCPG1 (DNAAF4-CCPG1 readthrough (NMD candidate); minus strand). Cytogenetic location: 15q21.3.
Variant type: single nucleotide variant.
Coding change: c.1121C>T on transcript NM_130810.4 (MANE Select); coding-DNA position 1121, C replaced by T.
Protein change: p.Thr374Ile; replaces threonine 374 with isoleucine.
Molecular consequence: missense variant. On other transcripts: non-coding transcript variant (1), intron variant (2).
Genome position (GRCh38, 1-based): chr15:55,432,529, G>A on the plus strand (C>T on the coding strand, the complement: DNAAF4 is on the minus strand). VCF-style: chr15-55432529-G-A. GRCh37 (hg19) VCF-style: chr15-55724727-G-A.
Other names: c.1047+2376C>T (NM_001033560.2); c.1048-1750C>T (NM_001033559.3); short protein forms T374I.
Identifiers: ClinVar variation 1305804 (VCV001305804.5), dbSNP rs771343192, ClinGen allele CA7574818.

ClinVar aggregate classification (germline): Uncertain significance. Review status: criteria provided, multiple submitters, no conflicts (2 of 4 stars). 2 submissions from 2 submitters: Uncertain significance (2). Last evaluated 2024-10-22.

Allele frequency attached by ClinVar (database versions not stated): gnomAD 0.00001; gnomAD exomes 0.00001 and 0.00005; TOPMed 0.00001; ExAC 0.00002.
gnomAD v4.1: 16 of 1,611,998 alleles (0.00099%); highest among the groups gnomAD compares: Admixed American, 0.023%; no homozygotes.

Submissions (2):

Labcorp Genetics (formerly Invitae), Labcorp
Classification: Uncertain significance. Last evaluated: 2024-10-22. Review status: criteria provided, single submitter. Criteria: Invitae Variant Classification Sherloc (09022015). Collection method: clinical testing. Allele origin: germline.
Comment: This sequence change replaces threonine, which is neutral and polar, with isoleucine, which is neutral and non-polar, at codon 374 of the DNAAF4 protein (p.Thr374Ile). This variant is present in population databases (rs771343192, gnomAD 0.04%). This variant has not been reported in the literature in individuals affected with DNAAF4-related conditions. ClinVar contains an entry for this variant (Variation ID: 1305804). Invitae Evidence Modeling of protein sequence and biophysical properties (such as structural, functional, and spatial information, amino acid conservation, physicochemical variation, residue mobility, and thermodynamic stability) has been performed for this missense variant. However, the output from this modeling did not meet the statistical confidence thresholds required to predict the impact of this variant on DNAAF4 protein function. In summary, the available evidence is currently insufficient to determine the role of this variant in disease. Therefore, it has been classified as a Variant of Uncertain Significance.

GeneDx
Classification: Uncertain significance. Last evaluated: 2019-05-13. Review status: criteria provided, single submitter. Criteria: GeneDx Variant Classification Process June 2021. Collection method: clinical testing. Allele origin: germline. Affected: yes.
Comment: In silico analysis, which includes protein predictors and evolutionary conservation, supports that this variant does not alter protein structure/function; Has not been previously published as pathogenic or benign to our knowledge